The following is an entry in ClinVar:

NM_000348.4(SRD5A2):c.*1356A>C

Gene: SRD5A2 (steroid 5 alpha-reductase 2; minus strand). Cytogenetic location: 2p23.1.
Variant type: single nucleotide variant.
Coding change: c.*1356A>C on transcript NM_000348.4 (MANE Select); 1356 bases downstream of the stop codon, A replaced by C.
Molecular consequence: 3 prime UTR variant.
Genome position (GRCh38, 1-based): chr2:31,524,840, T>G on the plus strand (A>C on the coding strand, the complement: SRD5A2 is on the minus strand). VCF-style: chr2-31524840-T-G. GRCh37 (hg19) VCF-style: chr2-31749910-T-G.
Identifiers: ClinVar variation 97418 (VCV000097418.6), dbSNP rs28383087, ClinGen allele CA224927.

ClinVar aggregate classification (germline): Likely benign. Review status: criteria provided, multiple submitters, no conflicts (2 of 4 stars). 3 submissions from 3 submitters: Likely benign (2). 1 of the submissions does not count toward it. Last evaluated 2018-01-13.

Conditions:
3-Oxo-5 alpha-steroid delta 4-dehydrogenase deficiency (PPSH). Also called: 46,XY disorder of sex development due to 5-alpha-reductase 2 deficiency; PSEUDOVAGINAL PERINEOSCROTAL HYPOSPADIAS; FAMILIAL INCOMPLETE MALE PSEUDOHERMAPHRODITISM, TYPE 2; MALE PSEUDOHERMAPHRODITISM DUE TO 5-ALPHA-REDUCTASE DEFICIENCY. Identifiers: Orphanet 753, MedGen C0268297, MONDO:0009923, OMIM 264600. Disease mechanism: loss of function.

Allele frequency attached by ClinVar (database versions not stated): 1000 Genomes Project 0.00459; 1000 Genomes Project 30x 0.00484; TOPMed 0.00784; gnomAD exomes 0.00811; gnomAD 0.00884 and 0.00919.
gnomAD v4.1: 1,961 of 226,866 alleles (0.86%); highest among the groups gnomAD compares: Non-Finnish European, 1.1%; 24 homozygotes.

Submissions (3):

Illumina Laboratory Services, Illumina
Classification: Likely benign for 3-Oxo-5 alpha-steroid delta 4-dehydrogenase deficiency. Last evaluated: 2018-01-13. Review status: criteria provided, single submitter. Criteria: ICSL Variant Classification Criteria 13 December 2019. Collection method: clinical testing. Allele origin: germline.
Comment: This variant was observed in the ICSL laboratory as part of a predisposition screen in an ostensibly healthy population. It had not been previously curated by ICSL or reported in the Human Gene Mutation Database (HGMD: prior to June 1st, 2018), and was therefore a candidate for classification through an automated scoring system. Utilizing variant allele frequency, disease prevalence and penetrance estimates, and inheritance mode, an automated score was calculated to assess if this variant is too frequent to cause the disease. Based on the score and internal cut-off values, a variant classified as likely benign is not then subjected to further curation. The score for this variant resulted in a classification of likely benign for this disease.

Breakthrough Genomics
Classification: Likely benign. Review status: criteria provided, single submitter. Criteria: ACMG Guidelines, 2015. Collection method: not provided. Allele origin: germline. Inheritance: Autosomal recessive inheritance. Affected: yes.

University of Sydney Medical Foundation
No classification provided. Review status: no classification provided. Collection method: not provided. Allele origin: not provided. Not counted in ClinVar's aggregate classification.